The following is an entry in ClinVar:

ClinVar aggregate classification (germline): Uncertain significance. Review status: criteria provided, multiple submitters, no conflicts (2 of 4 stars). 2 submissions from 2 submitters: Uncertain significance (2). Last evaluated 2023-02-28.

Conditions:
Inborn genetic diseases. Identifiers: MedGen C0950123, MeSH D030342.

Allele frequency attached by ClinVar (database versions not stated): ExAC 0.00003; gnomAD exomes 0.00005 and 0.00002; ESP Exome Variant Server 0.00008; gnomAD 0.00001; TOPMed 0.00002.
gnomAD v4.1: 73 of 1,600,596 alleles (0.0046%); highest among the groups gnomAD compares: Middle Eastern, 0.4%; no homozygotes.

Submissions (2):

Ambry Genetics
Classification: Uncertain significance for Inborn genetic diseases. Last evaluated: 2023-02-28. Review status: criteria provided, single submitter. Criteria: Ambry Variant Classification Scheme 2023. Collection method: clinical testing. Allele origin: germline.

Labcorp Genetics (formerly Invitae), Labcorp
Classification: Uncertain significance. Last evaluated: 2021-10-12. Review status: criteria provided, single submitter. Criteria: Invitae Variant Classification Sherloc (09022015). Collection method: clinical testing. Allele origin: germline.
Comment: This variant is present in population databases (rs370867205, ExAC 0.006%). This variant has not been reported in the literature in individuals affected with HPGD-related conditions. This sequence change replaces methionine with valine at codon 213 of the HPGD protein (p.Met213Val). The methionine residue is highly conserved and there is a small physicochemical difference between methionine and valine. In summary, the available evidence is currently insufficient to determine the role of this variant in disease. Therefore, it has been classified as a Variant of Uncertain Significance. Algorithms developed to predict the effect of missense changes on protein structure and function are either unavailable or do not agree on the potential impact of this missense change (SIFT: "Deleterious"; PolyPhen-2: "Benign"; Align-GVGD: "Class C0").

NM_000860.6(HPGD):c.637A>G (p.Met213Val)

Gene: HPGD (15-hydroxyprostaglandin dehydrogenase; minus strand). Cytogenetic location: 4q34.1.
Variant type: single nucleotide variant.
Coding change: c.637A>G on transcript NM_000860.6 (MANE Select); coding-DNA position 637, A replaced by G.
Protein change: p.Met213Val; replaces methionine 213 with valine.
Molecular consequence: missense variant. On other transcripts: intron variant (2).
Genome position (GRCh38, 1-based): chr4:174,493,176, T>C on the plus strand (A>G on the coding strand, the complement: HPGD is on the minus strand). VCF-style: chr4-174493176-T-C. GRCh37 (hg19) VCF-style: chr4-175414327-T-C.
Other names: c.274A>G, p.Met92Val (NM_001256301.1, NM_001256307.2); c.433A>G, p.Met145Val (NM_001256306.2); c.422-1082A>G (NM_001256305.2); c.499-1082A>G (NM_001145816.3); c.637A>G (NM_000860.4); short protein forms M145V, M213V, M92V.
Identifiers: ClinVar variation 1372083 (VCV001372083.7), dbSNP rs370867205, ClinGen allele CA3142202.